The following is an entry in ClinVar:

NM_001378414.1(HDAC4):c.1973C>T (p.Thr658Met)

Gene: HDAC4 (histone deacetylase 4; minus strand). Cytogenetic location: 2q37.3.
Variant type: single nucleotide variant.
Coding change: c.1973C>T on transcript NM_001378414.1 (MANE Select); coding-DNA position 1973, C replaced by T.
Protein change: p.Thr658Met; replaces threonine 658 with methionine.
Molecular consequence: missense variant.
Genome position (GRCh38, 1-based): chr2:239,111,531, G>A on the plus strand (C>T on the coding strand, the complement: HDAC4 is on the minus strand). VCF-style: chr2-239111531-G-A. GRCh37 (hg19) VCF-style: chr2-240033227-G-A.
Other names: c.1973C>T, p.Thr658Met (NM_001378415.1); c.1958C>T, p.Thr653Met (NM_001378416.1, NM_001378417.1, NM_006037.4); short protein forms T653M, T658M.
Identifiers: ClinVar variation 3365482 (VCV003365482.1).

ClinVar aggregate classification (germline): Uncertain significance (1 of 4 stars; one submission).

gnomAD v4.1: 3 of 1,612,074 alleles (0.00019%); highest among the groups gnomAD compares: Non-Finnish European, 0.00025%; no homozygotes.

Submission:

GeneDx
Classification: Uncertain significance. Last evaluated: 2023-12-19. Review status: criteria provided, single submitter. Criteria: GeneDx Variant Classification Process June 2021. Collection method: clinical testing. Allele origin: germline. Affected: yes.
Comment: In silico analysis supports that this missense variant has a deleterious effect on protein structure/function; Has not been previously published as pathogenic or benign to our knowledge